The following is an entry in ClinVar:

NM_033225.6(CSMD1):c.9251G>C (p.Arg3084Thr)

Genes: CSMD1 (CUB and Sushi multiple domains 1; minus strand), LOC105377785 (uncharacterized LOC105377785; plus strand). Cytogenetic location: 8p23.2.
Variant type: single nucleotide variant.
Coding change: c.9251G>C on transcript NM_033225.6 (MANE Select); coding-DNA position 9251, G replaced by C.
Protein change: p.Arg3084Thr; replaces arginine 3084 with threonine.
Molecular consequence: missense variant.
Genome position (GRCh38, 1-based): chr8:2,965,804, C>G on the plus strand (G>C on the coding strand, the complement: CSMD1 is on the minus strand). VCF-style: chr8-2965804-C-G. GRCh37 (hg19) VCF-style: chr8-2823326-C-G.
Other names: short protein forms R3084T.
Identifiers: ClinVar variation 726079 (VCV000726079.5), dbSNP rs61744049, ClinGen allele CA4605251.

ClinVar aggregate classification (germline): Likely benign. Review status: criteria provided, single submitter (1 of 4 stars). 2 submissions from 2 submitters: Likely benign (1). 1 of the submissions does not count toward it. Last evaluated 2018-02-09.

Conditions:
CSMD1-related disorder. Also called: CSMD1-related condition.

Allele frequency attached by ClinVar (database versions not stated): 1000 Genomes Project 0.00140; 1000 Genomes Project 30x 0.00156; ESP Exome Variant Server 0.00161; TOPMed 0.00221; gnomAD 0.00242.
gnomAD v4.1: 642 of 1,609,586 alleles (0.04%); highest among the groups gnomAD compares: African/African-American, 0.74%; 5 homozygotes.

Submissions (2):

Labcorp Genetics (formerly Invitae), Labcorp
Classification: Likely benign. Last evaluated: 2018-02-09. Review status: criteria provided, single submitter. Criteria: Invitae Variant Classification Sherloc (09022015). Collection method: clinical testing. Allele origin: germline.

PreventionGenetics, part of Exact Sciences
Classification: Likely benign for CSMD1-related condition. Last evaluated: 2019-03-18. Review status: no assertion criteria provided. Collection method: clinical testing. Allele origin: germline. Not counted in ClinVar's aggregate classification.
Comment: This variant is classified as likely benign based on ACMG/AMP sequence variant interpretation guidelines (Richards et al. 2015 PMID: 25741868, with internal and published modifications).